The following is an entry in ClinVar:

NM_000268.4(NF2):c.1481A>G (p.Asp494Gly)

Gene: NF2 (NF2, moesin-ezrin-radixin like (MERLIN) tumor suppressor; plus strand). Cytogenetic location: 22q12.2.
Variant type: single nucleotide variant.
Coding change: c.1481A>G on transcript NM_000268.4 (MANE Select); coding-DNA position 1481, A replaced by G.
Protein change: p.Asp494Gly; replaces aspartic acid 494 with glycine.
Molecular consequence: missense variant. On other transcripts: non-coding transcript variant (1), intron variant (1).
Genome position (GRCh38, 1-based): chr22:29,678,230, A>G. VCF-style: chr22-29678230-A-G. GRCh37 (hg19) VCF-style: chr22-30074219-A-G.
Other names: c.1367A>G, p.Asp456Gly (NM_001407053.1, NM_001407056.1); c.1358A>G, p.Asp453Gly (NM_001407054.1, NM_001407058.1, NM_181829.3); c.1355A>G, p.Asp452Gly (NM_001407055.1, NM_181828.3); c.1346A>G, p.Asp449Gly (NM_001407057.1, NM_001407059.1); c.1481A>G, p.Asp494Gly (NM_001407060.1, NM_001407066.1, NM_016418.5 and 2 more transcripts); c.1223A>G, p.Asp408Gly (NM_001407062.1); c.1232A>G, p.Asp411Gly (NM_001407063.1, NM_001407064.1, NM_181830.3 and 1 more transcripts); c.947A>G, p.Asp316Gly (NM_001407065.1); and 2 more; short protein forms D316G, D408G, D411G, D417G, D449G, D452G, D453G, D456G.
Identifiers: ClinVar variation 3231079 (VCV003231079.2), dbSNP rs2067024492, ClinGen allele CA411149605.

ClinVar aggregate classification (germline): Uncertain significance. Review status: criteria provided, multiple submitters, no conflicts (2 of 4 stars). 2 submissions from 2 submitters: Uncertain significance (2). Last evaluated 2026-02-19.

Conditions:
Hereditary cancer-predisposing syndrome. Also called: Neoplastic Syndromes, Hereditary; Tumor predisposition; Hereditary Cancer Syndrome; Hereditary neoplastic syndrome. Identifiers: Orphanet 140162, MedGen C0027672, MeSH D009386, MONDO:0015356.

Allele frequency attached by ClinVar (database versions not stated): gnomAD 0.00001.
gnomAD v4.1: 1 of 1,614,028 alleles (0.000062%); highest among the groups gnomAD compares: African/African-American, 0.0013%; no homozygotes.

Submissions (2):

GeneDx
Classification: Uncertain significance. Last evaluated: 2026-02-19. Review status: criteria provided, single submitter. Criteria: GeneDx Variant Classification Process June 2021. Collection method: clinical testing. Allele origin: germline.
Comment: Not observed at significant frequency in large population cohorts (gnomAD); In silico analysis supports that this missense variant has a deleterious effect on protein structure/function; Has not been previously published as pathogenic or benign to our knowledge

Ambry Genetics
Classification: Uncertain significance for Hereditary cancer-predisposing syndrome. Last evaluated: 2023-10-13. Review status: criteria provided, single submitter. Criteria: Ambry Variant Classification Scheme 2023. Collection method: clinical testing. Allele origin: germline.
Comment: The p.D494G variant (also known as c.1481A>G), located in coding exon 14 of the NF2 gene, results from an A to G substitution at nucleotide position 1481. The aspartic acid at codon 494 is replaced by glycine, an amino acid with similar properties. This amino acid position is conserved. In addition, the in silico prediction for this alteration is inconclusive. Since supporting evidence is limited at this time, the clinical significance of this alteration remains unclear.